The following is an entry in ClinVar:

ClinVar aggregate classification (germline): Uncertain significance (1 of 4 stars; one submission).

Conditions:
Hereditary cancer-predisposing syndrome. Also called: Neoplastic Syndromes, Hereditary; Tumor predisposition; Hereditary Cancer Syndrome; Hereditary neoplastic syndrome. Identifiers: Orphanet 140162, MedGen C0027672, MeSH D009386, MONDO:0015356.

Submission:

Ambry Genetics
Classification: Uncertain significance for Hereditary cancer-predisposing syndrome. Last evaluated: 2022-10-29. Review status: criteria provided, single submitter. Criteria: Ambry Variant Classification Scheme 2023. Collection method: clinical testing. Allele origin: germline.
Comment: The p.T1133N variant (also known as c.3398C>A), located in coding exon 24 of the MSH3 gene, results from a C to A substitution at nucleotide position 3398. The threonine at codon 1133 is replaced by asparagine, an amino acid with similar properties. This amino acid position is conserved. In addition, this alteration is predicted to be tolerated by in silico analysis. Since supporting evidence is limited at this time, the clinical significance of this alteration remains unclear.

NM_002439.5(MSH3):c.3398C>A (p.Thr1133Asn)

Gene: MSH3 (mutS homolog 3; plus strand). Cytogenetic location: 5q14.1.
Variant type: single nucleotide variant.
Coding change: c.3398C>A on transcript NM_002439.5 (MANE Select); coding-DNA position 3398, C replaced by A.
Protein change: p.Thr1133Asn; replaces threonine 1133 with asparagine.
Molecular consequence: missense variant.
Genome position (GRCh38, 1-based): chr5:80,875,846, C>A. VCF-style: chr5-80875846-C-A. GRCh37 (hg19) VCF-style: chr5-80171665-C-A.
Other names: short protein forms T1133N.
Identifiers: ClinVar variation 1730958 (VCV001730958.2), dbSNP rs2478809314, ClinGen allele CA360347486.